The following is an entry in ClinVar:

ClinVar aggregate classification (germline): Uncertain significance (1 of 4 stars; one submission).

Allele frequency attached by ClinVar (database versions not stated): ExAC 0.00001.
gnomAD v4.1: 1 of 1,613,808 alleles (0.000062%); highest among the groups gnomAD compares: Admixed American, 0.0017%; no homozygotes.

Submission:

GeneDx
Classification: Uncertain significance. Last evaluated: 2019-04-23. Review status: criteria provided, single submitter. Criteria: GeneDx Variant Classification Process June 2021. Collection method: clinical testing. Allele origin: germline. Affected: yes.
Comment: Not observed in large population cohorts (Lek et al., 2016); In silico analysis, which includes protein predictors and evolutionary conservation, supports that this variant does not alter protein structure/function; Has not been previously published as pathogenic or benign to our knowledge

NM_017791.3(FLVCR2):c.580A>G (p.Ile194Val)

Genes: FLVCR2-AS1 (FLVCR2 antisense RNA 1; minus strand), FLVCR2 (FLVCR choline and putative heme transporter 2; plus strand). Cytogenetic location: 14q24.3.
Variant type: single nucleotide variant.
Coding change: c.580A>G on transcript NM_017791.3 (MANE Select); coding-DNA position 580, A replaced by G.
Protein change: p.Ile194Val; replaces isoleucine 194 with valine.
Molecular consequence: missense variant. On other transcripts: non-coding transcript variant (1).
Genome position (GRCh38, 1-based): chr14:75,579,552, A>G. VCF-style: chr14-75579552-A-G. GRCh37 (hg19) VCF-style: chr14-76045895-A-G.
Other names: short protein forms I194V.
Identifiers: ClinVar variation 1305414 (VCV001305414.2), dbSNP rs769671547, ClinGen allele CA7278240.